The following is an entry in ClinVar:

ClinVar aggregate classification (germline): Uncertain significance (1 of 4 stars; one submission).

Submission:

Ambry Genetics
Classification: Uncertain significance. Last evaluated: 2022-07-11. Review status: criteria provided, single submitter. Criteria: Ambry Variant Classification Scheme 2023. Collection method: clinical testing. Allele origin: germline.
Comment: The p.Y739S variant (also known as c.2216A>C), located in coding exon 4 of the ALPK2 gene, results from an A to C substitution at nucleotide position 2216. The tyrosine at codon 739 is replaced by serine, an amino acid with dissimilar properties. This amino acid position is conserved. In addition, this alteration is predicted to be tolerated by in silico analysis. Since supporting evidence is limited at this time, the clinical significance of this alteration remains unclear.

NM_052947.4(ALPK2):c.2216A>C (p.Tyr739Ser)

Gene: ALPK2 (alpha kinase 2; minus strand). Cytogenetic location: 18q21.31.
Variant type: single nucleotide variant.
Coding change: c.2216A>C on transcript NM_052947.4 (MANE Select); coding-DNA position 2216, A replaced by C.
Protein change: p.Tyr739Ser; replaces tyrosine 739 with serine.
Molecular consequence: missense variant.
Genome position (GRCh38, 1-based): chr18:58,537,971, T>G on the plus strand (A>C on the coding strand, the complement: ALPK2 is on the minus strand). VCF-style: chr18-58537971-T-G. GRCh37 (hg19) VCF-style: chr18-56205203-T-G.
Other names: short protein forms Y739S.
Identifiers: ClinVar variation 1787834 (VCV001787834.2), dbSNP rs2518877984, ClinGen allele CA402571247.